The following is an entry in ClinVar:

ClinVar aggregate classification (germline): Conflicting classifications of pathogenicity. Review status: criteria provided, conflicting classifications (1 of 4 stars). 3 submissions from 3 submitters: Uncertain significance (2); Likely benign (1). Last evaluated 2025-06-24.

Conditions:
Paroxysmal nonkinesigenic dyskinesia. Also called: Paroxysmal non-kinesigenic dyskinesia. Identifiers: Orphanet 98810, MedGen C1869117, MONDO:0700088.
Inborn genetic diseases. Identifiers: MedGen C0950123, MeSH D030342.

gnomAD v4.1: 11 of 1,613,974 alleles (0.00068%); highest among the groups gnomAD compares: Admixed American, 0.0067%; no homozygotes.

Submissions (3):

Labcorp Genetics (formerly Invitae), Labcorp
Classification: Uncertain significance for Paroxysmal nonkinesigenic dyskinesia. Last evaluated: 2025-06-24. Review status: criteria provided, single submitter. Criteria: Invitae Variant Classification Sherloc (09022015). Collection method: clinical testing. Allele origin: germline.
Comment: This sequence change replaces threonine, which is neutral and polar, with isoleucine, which is neutral and non-polar, at codon 38 of the PNKD protein (p.Thr38Ile). This variant is present in population databases (rs753100961, gnomAD 0.006%). This variant has not been reported in the literature in individuals affected with PNKD-related conditions. ClinVar contains an entry for this variant (Variation ID: 2804690). An algorithm developed to predict the effect of missense changes on protein structure and function outputs the following: PolyPhen-2: "Benign". The isoleucine amino acid residue is found in multiple mammalian species, which suggests that this missense change does not adversely affect protein function. In summary, the available evidence is currently insufficient to determine the role of this variant in disease. Therefore, it has been classified as a Variant of Uncertain Significance.

Ambry Genetics
Classification: Likely benign for Inborn genetic diseases. Last evaluated: 2024-11-24. Review status: criteria provided, single submitter. Criteria: Ambry Variant Classification Scheme 2023. Collection method: clinical testing. Allele origin: germline.

Women's Health and Genetics/Laboratory Corporation of America, LabCorp
Classification: Uncertain significance. Last evaluated: 2024-04-26. Review status: criteria provided, single submitter. Criteria: LabCorp Variant Classification Summary - May 2015. Collection method: clinical testing. Allele origin: germline.
Comment: Variant summary: PNKD c.113C>T (p.Thr38Ile) results in a non-conservative amino acid change in the encoded protein sequence. Four of five in-silico tools predict a benign effect of the variant on protein function. The variant allele was found at a frequency of 1.2e-05 in 251480 control chromosomes. The available data on variant occurrences in the general population are insufficient to allow any conclusion about variant significance. To our knowledge, no occurrence of c.113C>T in individuals affected with Paroxysmal Nonkinesigenic Dyskinesia 1 and no experimental evidence demonstrating its impact on protein function have been reported. No submitters have cited clinical-significance assessments for this variant to ClinVar. Based on the evidence outlined above, the variant was classified as uncertain significance.

NM_015488.5(PNKD):c.113C>T (p.Thr38Ile)

Gene: PNKD (PNKD metallo-beta-lactamase domain containing; plus strand). Cytogenetic location: 2q35.
Variant type: single nucleotide variant.
Coding change: c.113C>T on transcript NM_015488.5 (MANE Select); coding-DNA position 113, C replaced by T.
Protein change: p.Thr38Ile; replaces threonine 38 with isoleucine.
Molecular consequence: missense variant.
Genome position (GRCh38, 1-based): chr2:218,271,426, C>T. VCF-style: chr2-218271426-C-T. GRCh37 (hg19) VCF-style: chr2-219136149-C-T.
Other names: c.113C>T, p.Thr38Ile (NM_001077399.3); c.113C>T (NM_015488.4); short protein forms T38I.
Identifiers: ClinVar variation 2804690 (VCV002804690.5), dbSNP rs753100961, ClinGen allele CA65747590.
Genomic context (GRCh38, chr2:218,271,426, plus strand): 5'-TACCTCCATCCACAGGGATTCTCGCAGGAGCCACAGCTAACAAGGCTTCTCATAACAGGA[C>T]CCGGGCCCTGCAAAGCCACAGCTCCCCAGAGGGCAAGGAGGAACCTGAACCCCTATCCCC-3'
Protein context (NP_056303.3, residues 28-48): ATANKASHNR[Thr38Ile]RALQSHSSPE